The following is an entry in ClinVar:

ClinVar aggregate classification (germline): Uncertain significance (1 of 4 stars; one submission).

Conditions:
Aortic valve disease 2 (AOVD2). Identifiers: MedGen C3542024, MONDO:0013902, OMIM 614823.

Submission:

Labcorp Genetics (formerly Invitae), Labcorp
Classification: Uncertain significance for Aortic valve disease 2. Last evaluated: 2025-11-09. Review status: criteria provided, single submitter. Criteria: Invitae Variant Classification Sherloc (09022015). Collection method: clinical testing. Allele origin: germline.
Comment: This variant, c.95_100dup, results in the insertion of 2 amino acid(s) of the SMAD6 protein (p.Gly32_Gly33dup), but otherwise preserves the integrity of the reading frame. This variant is present in population databases (rs758201660, gnomAD 0.003%). This variant has not been reported in the literature in individuals affected with SMAD6-related conditions. ClinVar contains an entry for this variant (Variation ID: 860108). Experimental studies and prediction algorithms are not available or were not evaluated, and the functional significance of this variant is currently unknown. In summary, the available evidence is currently insufficient to determine the role of this variant in disease. Therefore, it has been classified as a Variant of Uncertain Significance.

NM_005585.5(SMAD6):c.95GCG[4] (p.Gly32_Gly33dup)

Gene: SMAD6 (SMAD family member 6; plus strand). Cytogenetic location: 15q22.31.
Variant type: Microsatellite.
Coding change: c.95GCG[4] on transcript NM_005585.5 (MANE Select); four copies in a row of the 3-base unit GCG starting at c.95; the reference has two copies in a row; two copies, 6 bases duplicated.
Protein change: p.Gly32_Gly33dup.
Molecular consequence: inframe insertion. On other transcripts: non-coding transcript variant (1).
Genome position (GRCh38, 1-based): chr15:66,703,353-66,703,358, GCGGCG duplicated; duplicating any 6 consecutive bases within chr15:66,703,352-66,703,358 gives the same sequence; the position shown is the placement nearest the transcript's 3' end. VCF-style (leftmost placement, unchanged base first): chr15-66703351-T-TGGCGGC. GRCh37 (hg19) VCF-style: chr15-66995689-T-TGGCGGC.
Identifiers: ClinVar variation 860108 (VCV000860108.9), dbSNP rs758201660, ClinGen allele CA7626431.